The following is an entry in ClinVar:

ClinVar aggregate classification (germline): Uncertain significance (1 of 4 stars; one submission).

Allele frequency attached by ClinVar (database versions not stated): gnomAD exomes below 0.00001; ExAC 0.00001; gnomAD 0.00001; 1000 Genomes Project 0.00020; 1000 Genomes Project 30x 0.00031.
gnomAD v4.1: 6 of 1,597,924 alleles (0.00038%); highest among the groups gnomAD compares: South Asian, 0.0066%; no homozygotes.

Submission:

Ambry Genetics
Classification: Uncertain significance. Last evaluated: 2021-07-04. Review status: criteria provided, single submitter. Criteria: Ambry Variant Classification Scheme 2023. Collection method: clinical testing. Allele origin: germline.
Comment: The p.S94C variant (also known as c.281C>G), located in coding exon 4 of the NPAT gene, results from a C to G substitution at nucleotide position 281. The serine at codon 94 is replaced by cysteine, an amino acid with dissimilar properties. This amino acid position is conserved. In addition, the in silico prediction for this alteration is inconclusive. Since supporting evidence is limited at this time, the clinical significance of this alteration remains unclear.

NM_002519.3(NPAT):c.281C>G (p.Ser94Cys)

Gene: NPAT (nuclear protein, coactivator of histone transcription; minus strand). Cytogenetic location: 11q22.3.
Variant type: single nucleotide variant.
Coding change: c.281C>G on transcript NM_002519.3 (MANE Select); coding-DNA position 281, C replaced by G.
Protein change: p.Ser94Cys; replaces serine 94 with cysteine.
Molecular consequence: missense variant.
Genome position (GRCh38, 1-based): chr11:108,192,127, G>C on the plus strand (C>G on the coding strand, the complement: NPAT is on the minus strand). VCF-style: chr11-108192127-G-C. GRCh37 (hg19) VCF-style: chr11-108062854-G-C.
Other names: c.281C>G, p.Ser94Cys (NM_001321307.1); short protein forms S94C.
Identifiers: ClinVar variation 1796423 (VCV001796423.2), dbSNP rs572831379, ClinGen allele CA6264366.
Genomic context (GRCh38, chr11:108,192,127, plus strand): 5'-AAAGTGTATTTGCATTCCAAAATCATTAGGCACATTCTAATAGCTTATTACCTGATCTGA[G>C]AAAGTGTATGGTCCAATTTCTTCCATAGAGATGACATTATTGCTGGGACATTATTTGATG-3'
Protein context (NP_002510.2, residues 84-104): SLWKKLDHTL[Ser94Cys]QIRSMQSSPR